The following is an entry in ClinVar:

NM_005670.4(EPM2A):c.101C>T (p.Pro34Leu)

Genes: EPM2A (EPM2A glucan phosphatase, laforin; minus strand), EPM2A-DT (EPM2A divergent transcript; plus strand), LOC129997381 (ATAC-STARR-seq lymphoblastoid silent region 17642; plus strand). Cytogenetic location: 6q24.3.
Variant type: single nucleotide variant.
Coding change: c.101C>T on transcript NM_005670.4 (MANE Select); coding-DNA position 101, C replaced by T.
Protein change: p.Pro34Leu; replaces proline 34 with leucine.
Molecular consequence: missense variant. On other transcripts: 5 prime UTR variant (3), intron variant (1).
Genome position (GRCh38, 1-based): chr6:145,735,398, G>A on the plus strand (C>T on the coding strand, the complement: EPM2A is on the minus strand). VCF-style: chr6-145735398-G-A. GRCh37 (hg19) VCF-style: chr6-146056534-G-A.
Other names: c.101C>T, p.Pro34Leu (NM_001018041.2, NM_001360057.2, NM_001368130.1); c.-569C>T (NM_001360071.2); c.-523C>T (NM_001368129.2); c.-267C>T (NM_001368131.1); c.-114+510C>T (NM_001360064.2); short protein forms P34L.
Identifiers: ClinVar variation 2099666 (VCV002099666.4), dbSNP rs1776814515, ClinGen allele CA366188381.

ClinVar aggregate classification (germline): Uncertain significance (1 of 4 stars; one submission).

Conditions:
Progressive myoclonic epilepsy. Also called: Myoclonic Epilepsies, Progressive; Familial progressive myoclonic epilepsy; Progressive myoclonus epilepsy; Myoclonus epilepsy. Identifiers: Orphanet 308, Orphanet 98261, MedGen C0751778, MONDO:0020074.

Submission:

Labcorp Genetics (formerly Invitae), Labcorp
Classification: Uncertain significance for Progressive myoclonic epilepsy. Last evaluated: 2022-07-23. Review status: criteria provided, single submitter. Criteria: Invitae Variant Classification Sherloc (09022015). Collection method: clinical testing. Allele origin: germline.
Comment: In summary, the available evidence is currently insufficient to determine the role of this variant in disease. Therefore, it has been classified as a Variant of Uncertain Significance. Algorithms developed to predict the effect of missense changes on protein structure and function are either unavailable or do not agree on the potential impact of this missense change (SIFT: "Deleterious"; PolyPhen-2: "Benign"; Align-GVGD: "Class C0"). This variant has not been reported in the literature in individuals affected with EPM2A-related conditions. This variant is not present in population databases (gnomAD no frequency). This sequence change replaces proline, which is neutral and non-polar, with leucine, which is neutral and non-polar, at codon 34 of the EPM2A protein (p.Pro34Leu).